The following is an entry in ClinVar:

ClinVar aggregate classification (germline): Uncertain significance (1 of 4 stars; one submission).

Allele frequency attached by ClinVar (database versions not stated): ExAC 0.00001; gnomAD exomes 0.00001.
gnomAD v4.1: 11 of 1,608,608 alleles (0.00068%); highest among the groups gnomAD compares: Non-Finnish European, 0.00093%; no homozygotes.

Submission:

Labcorp Genetics (formerly Invitae), Labcorp
Classification: Uncertain significance. Last evaluated: 2024-06-11. Review status: criteria provided, single submitter. Criteria: Invitae Variant Classification Sherloc (09022015). Collection method: clinical testing. Allele origin: germline.
Comment: This sequence change replaces leucine, which is neutral and non-polar, with arginine, which is basic and polar, at codon 339 of the ALPK3 protein (p.Leu339Arg). This variant is present in population databases (rs750547262, gnomAD 0.003%). This variant has not been reported in the literature in individuals affected with ALPK3-related conditions. An algorithm developed to predict the effect of missense changes on protein structure and function (PolyPhen-2) suggests that this variant is likely to be disruptive. In summary, the available evidence is currently insufficient to determine the role of this variant in disease. Therefore, it has been classified as a Variant of Uncertain Significance.

NM_020778.5(ALPK3):c.410T>G (p.Leu137Arg)

Gene: ALPK3 (alpha kinase 3; plus strand). Cytogenetic location: 15q25.3.
Variant type: single nucleotide variant.
Coding change: c.410T>G on transcript NM_020778.5 (MANE Select); coding-DNA position 410, T replaced by G.
Protein change: p.Leu137Arg; replaces leucine 137 with arginine.
Molecular consequence: missense variant.
Genome position (GRCh38, 1-based): chr15:84,839,085, T>G. VCF-style: chr15-84839085-T-G. GRCh37 (hg19) VCF-style: chr15-85382316-T-G.
Other names: short protein forms L137R.
Identifiers: ClinVar variation 2992719 (VCV002992719.3), dbSNP rs750547262, ClinGen allele CA7708959.
Genomic context (GRCh38, chr15:84,839,085, plus strand): 5'-TGGACCGCTACTGTGGCTTGCCAAAATATGAGATCACTCATCAGGGCAACCGCCACACAC[T>G]GCAGCTGTACAGGTGAGGGAGAAGGGCCTGTTTTGCTCTCTCTGCCCTCCCGAGGGCCCT-3'
Protein context (NP_065829.4, residues 127-147): EITHQGNRHT[Leu137Arg]QLYRCREEDA